The following is an entry in ClinVar:

NM_002471.4(MYH6):c.2050+5G>A

Gene: MYH6 (myosin heavy chain 6; minus strand). Cytogenetic location: 14q11.2.
Variant type: single nucleotide variant.
Coding change: c.2050+5G>A on transcript NM_002471.4 (MANE Select); 5 bases into the intron after coding-DNA position 2050, G replaced by A.
Molecular consequence: intron variant.
Genome position (GRCh38, 1-based): chr14:23,397,165, C>T on the plus strand (G>A on the coding strand, the complement: MYH6 is on the minus strand). VCF-style: chr14-23397165-C-T. GRCh37 (hg19) VCF-style: chr14-23866374-C-T.
Identifiers: ClinVar variation 1311302 (VCV001311302.2), dbSNP rs1891423478, ClinGen allele CA2123419428.

ClinVar aggregate classification (germline): Uncertain significance (1 of 4 stars; one submission).

Allele frequency attached by ClinVar (database versions not stated): TOPMed below 0.00001.

Submission:

GeneDx
Classification: Uncertain significance. Last evaluated: 2019-12-24. Review status: criteria provided, single submitter. Criteria: GeneDx Variant Classification Process June 2021. Collection method: clinical testing. Allele origin: germline. Affected: yes.
Comment: Has not been previously published as pathogenic or benign to our knowledge; Not observed in large population cohorts (Lek et al., 2016); In-silico analysis, which includes splice predictors and evolutionary conservation, is inconclusive as to whether the variant alters gene splicing. In the absence of RNA/functional studies, the actual effect of this sequence change is unknown.